The following is an entry in ClinVar:

ClinVar aggregate classification (germline): Uncertain significance. Review status: criteria provided, multiple submitters, no conflicts (2 of 4 stars). 2 submissions from 2 submitters: Uncertain significance (2). Last evaluated 2023-05-03.

Conditions:
Cryptosporidiosis-chronic cholangitis-liver disease syndrome. Also called: IL21R immunodeficiency; Immunodeficiency type 56. Identifiers: Orphanet 357329, MedGen C3554687, MONDO:0014082, OMIM 615207.
Inborn genetic diseases. Identifiers: MedGen C0950123, MeSH D030342.

Submissions (2):

Ambry Genetics
Classification: Uncertain significance for Inborn genetic diseases. Last evaluated: 2023-05-03. Review status: criteria provided, single submitter. Criteria: Ambry Variant Classification Scheme 2023. Collection method: clinical testing. Allele origin: germline.

Labcorp Genetics (formerly Invitae), Labcorp
Classification: Uncertain significance for IL21R immunodeficiency. Last evaluated: 2019-09-09. Review status: criteria provided, single submitter. Criteria: Invitae Variant Classification Sherloc (09022015). Collection method: clinical testing. Allele origin: germline.
Comment: This sequence change replaces valine with phenylalanine at codon 24 of the IL21R protein (p.Val24Phe). The valine residue is weakly conserved and there is a small physicochemical difference between valine and phenylalanine. This variant is present in population databases (rs201895589, ExAC 0.002%). This variant has not been reported in the literature in individuals with IL21R-related conditions. Algorithms developed to predict the effect of missense changes on protein structure and function are either unavailable or do not agree on the potential impact of this missense change (SIFT: "Deleterious"; PolyPhen-2: "Possibly Damaging"; Align-GVGD: "Class C0"). In summary, the available evidence is currently insufficient to determine the role of this variant in disease. Therefore, it has been classified as a Variant of Uncertain Significance.

NM_181078.3(IL21R):c.70G>T (p.Val24Phe)

Gene: IL21R (interleukin 21 receptor; plus strand). Cytogenetic location: 16p12.1.
Variant type: single nucleotide variant.
Coding change: c.70G>T on transcript NM_181078.3 (MANE Select); coding-DNA position 70, G replaced by T.
Protein change: p.Val24Phe; replaces valine 24 with phenylalanine.
Molecular consequence: missense variant.
Genome position (GRCh38, 1-based): chr16:27,434,367, G>T. VCF-style: chr16-27434367-G-T. GRCh37 (hg19) VCF-style: chr16-27445688-G-T.
Other names: c.70G>T, p.Val24Phe (NM_021798.4); c.136G>T, p.Val46Phe (NM_181079.5); c.136G>T (NM_181079.4); short protein forms V46F, V24F.
Identifiers: ClinVar variation 933918 (VCV000933918.3), dbSNP rs201895589, ClinGen allele CA7974865.